The following is an entry in ClinVar:

NM_000264.5(PTCH1):c.157C>T (p.Pro53Ser)

Genes: PTCH1 (patched 1; minus strand), LOC130002133 (ATAC-STARR-seq lymphoblastoid silent region 20071; plus strand). Cytogenetic location: 9q22.32.
Variant type: single nucleotide variant.
Coding change: c.157C>T on transcript NM_000264.5 (MANE Select); coding-DNA position 157, C replaced by T.
Protein change: p.Pro53Ser; replaces proline 53 with serine.
Molecular consequence: missense variant. On other transcripts: non-coding transcript variant (1), intron variant (3).
Genome position (GRCh38, 1-based): chr9:95,508,205, G>A on the plus strand (C>T on the coding strand, the complement: PTCH1 is on the minus strand). VCF-style: chr9-95508205-G-A. GRCh37 (hg19) VCF-style: chr9-98270487-G-A.
Other names: c.157C>T, p.Pro53Ser (NM_001354918.2); c.199-1606C>T (NM_001083603.3); c.4-1606C>T (NM_001083602.3, NM_001354919.2); short protein forms P53S.
Identifiers: ClinVar variation 1775652 (VCV001775652.9), dbSNP rs1266988083, ClinGen allele CA374121333.

ClinVar aggregate classification (germline): Conflicting classifications of pathogenicity. Review status: criteria provided, conflicting classifications (1 of 4 stars). 3 submissions from 3 submitters: Uncertain significance (2); Likely benign (1). Last evaluated 2025-09-21.

Conditions:
Hereditary cancer-predisposing syndrome. Also called: Tumor predisposition; Neoplastic Syndromes, Hereditary; Hereditary Cancer Syndrome; Hereditary neoplastic syndrome. Identifiers: Orphanet 140162, MedGen C0027672, MeSH D009386, MONDO:0015356.
Gorlin syndrome. Also called: Nevoid Basal Cell Carcinoma Syndrome; Basal cell nevus syndrome. Identifiers: Orphanet 377, MedGen C0004779, MONDO:0007187.
Basal cell carcinoma, susceptibility to, 1. Also called: BCC1. Identifiers: MedGen C2751544, MONDO:0011556, OMIM 605462.

Allele frequency attached by ClinVar (database versions not stated): gnomAD exomes below 0.00001.
gnomAD v4.1: 3 of 1,612,422 alleles (0.00019%); highest among the groups gnomAD compares: Non-Finnish European, 0.00025%; no homozygotes.

Submissions (3):

Labcorp Genetics (formerly Invitae), Labcorp
Classification: Likely benign for Gorlin syndrome. Last evaluated: 2025-09-21. Review status: criteria provided, single submitter. Criteria: Invitae Variant Classification Sherloc (09022015). Collection method: clinical testing. Allele origin: germline.

Ambry Genetics
Classification: Uncertain significance for Hereditary cancer-predisposing syndrome. Last evaluated: 2025-02-18. Review status: criteria provided, single submitter. Criteria: Ambry Variant Classification Scheme 2023. Collection method: clinical testing. Allele origin: germline.
Comment: The p.P53S variant (also known as c.157C>T), located in coding exon 1 of the PTCH1 gene, results from a C to T substitution at nucleotide position 157. The proline at codon 53 is replaced by serine, an amino acid with similar properties. This amino acid position is highly conserved in available vertebrate species. In addition, the in silico prediction for this alteration is inconclusive. Since supporting evidence is limited at this time, the clinical significance of this alteration remains unclear.

Baylor Genetics
Classification: Uncertain significance for Basal cell carcinoma, susceptibility to, 1. Last evaluated: 2023-08-24. Review status: criteria provided, single submitter. Criteria: ACMG Guidelines, 2015. Collection method: clinical testing. Allele origin: unknown.